The following is an entry in ClinVar:

NM_006493.4(CLN5):c.188G>T (p.Arg63Leu)

Gene: CLN5 (CLN5 lysosomal BMP synthase; plus strand). Cytogenetic location: 13q22.3.
Variant type: single nucleotide variant.
Coding change: c.188G>T on transcript NM_006493.4 (MANE Select); coding-DNA position 188, G replaced by T.
Protein change: p.Arg63Leu; replaces arginine 63 with leucine.
Molecular consequence: missense variant.
Genome position (GRCh38, 1-based): chr13:76,995,077, G>T. VCF-style: chr13-76995077-G-T. GRCh37 (hg19) VCF-style: chr13-77569212-G-T.
Other names: c.188G>T, p.Arg63Leu (NM_001366624.2); short protein forms R63L, R112L.
Identifiers: ClinVar variation 2172798 (VCV002172798.5), dbSNP rs104894386, ClinGen allele CA388307682.

ClinVar aggregate classification (germline): Uncertain significance. Review status: criteria provided, multiple submitters, no conflicts (2 of 4 stars). 2 submissions from 2 submitters: Uncertain significance (2). Last evaluated 2024-12-16.

Conditions:
Neuronal ceroid lipofuscinosis. Also called: Neuronal Ceroid Lipofuscinoses. Identifiers: Orphanet 216, Orphanet 79263, MedGen C0027877, MONDO:0016295. Disease mechanism: loss of function.

Submissions (2):

Labcorp Genetics (formerly Invitae), Labcorp
Classification: Uncertain significance for Neuronal ceroid lipofuscinosis. Last evaluated: 2024-12-16. Review status: criteria provided, single submitter. Criteria: Invitae Variant Classification Sherloc (09022015). Collection method: clinical testing. Allele origin: germline.
Comment: This sequence change replaces arginine, which is basic and polar, with leucine, which is neutral and non-polar, at codon 112 of the CLN5 protein (p.Arg112Leu). This variant is not present in population databases (gnomAD no frequency). This variant has not been reported in the literature in individuals affected with CLN5-related conditions. ClinVar contains an entry for this variant (Variation ID: 2172798). Invitae Evidence Modeling of protein sequence and biophysical properties (such as structural, functional, and spatial information, amino acid conservation, physicochemical variation, residue mobility, and thermodynamic stability) has been performed for this missense variant. However, the output from this modeling did not meet the statistical confidence thresholds required to predict the impact of this variant on CLN5 protein function. This variant disrupts the p.Arg112 amino acid residue in CLN5. Other variant(s) that disrupt this residue have been determined to be pathogenic (PMID: 15728307, 20052765, 30078242; internal data). This suggests that this residue is clinically significant, and that variants that disrupt this residue are likely to be disease-causing. In summary, the available evidence is currently insufficient to determine the role of this variant in disease. Therefore, it has been classified as a Variant of Uncertain Significance.

Women's Health and Genetics/Laboratory Corporation of America, LabCorp
Classification: Uncertain significance. Last evaluated: 2024-06-03. Review status: criteria provided, single submitter. Criteria: LabCorp Variant Classification Summary - May 2015. Collection method: clinical testing. Allele origin: germline.

Literature cited by the submitters: PubMed 15728307 (cited by Labcorp Genetics (formerly Invitae), Labcorp); PubMed 20052765 (cited by Labcorp Genetics (formerly Invitae), Labcorp); PubMed 30078242 (cited by Labcorp Genetics (formerly Invitae), Labcorp).